The following is an entry in ClinVar:

ClinVar aggregate classification (germline): Uncertain significance (1 of 4 stars; one submission).

Submission:

Greenwood Genetic Center Diagnostic Laboratories, Greenwood Genetic Center
Classification: Uncertain significance. Last evaluated: 2023-07-07. Review status: criteria provided, single submitter. Criteria: ACMG Guidelines, 2015. Collection method: clinical testing. Allele origin: germline. Affected: yes.
Comment: Gene of Uncertain Significance

NM_016190.3(CRNN):c.77C>G (p.Thr26Arg)

Gene: CRNN (cornulin; minus strand). Cytogenetic location: 1q21.3.
Variant type: single nucleotide variant.
Coding change: c.77C>G on transcript NM_016190.3 (MANE Select); coding-DNA position 77, C replaced by G.
Protein change: p.Thr26Arg; replaces threonine 26 with arginine.
Molecular consequence: missense variant.
Genome position (GRCh38, 1-based): chr1:152,412,157, G>C on the plus strand (C>G on the coding strand, the complement: CRNN is on the minus strand). VCF-style: chr1-152412157-G-C. GRCh37 (hg19) VCF-style: chr1-152384633-G-C.
Other names: short protein forms T26R.
Identifiers: ClinVar variation 2626963 (VCV002626963.1), dbSNP rs2525456885, ClinGen allele CA342490389.